The following is an entry in ClinVar:

NM_022124.6(CDH23):c.3322G>T (p.Glu1108Ter)

Genes: C10orf105 (chromosome 10 open reading frame 105; minus strand), CDH23 (cadherin related 23; plus strand). Cytogenetic location: 10q22.1.
Variant type: single nucleotide variant.
Coding change: c.3322G>T on transcript NM_022124.6 (MANE Select); coding-DNA position 3322, G replaced by T.
Protein change: p.Glu1108Ter; replaces glutamic acid 1108 with a stop codon.
Molecular consequence: nonsense. On other transcripts: 3 prime UTR variant (2).
Genome position (GRCh38, 1-based): chr10:71,712,766, G>T. VCF-style: chr10-71712766-G-T. GRCh37 (hg19) VCF-style: chr10-73472523-G-T.
Other names: c.*3170C>A (NM_001164375.3, NM_001168390.2); c.3322G>T, p.Glu1108Ter (NM_001171930.2); short protein forms E1108*.
Identifiers: ClinVar variation 3642098 (VCV003642098.2).
Genomic context (GRCh38, chr10:71,712,766, plus strand): 5'-GTGTTCGTCACTGTCCTGGATGTGAATGACAACCGGCCCATCTTTCTGCAGAGCAGCTAT[G>T]AGGCCAGCGTCCCTGAGGACATCCCTGAAGGCCACAGCATCTTGCAGGCAGGTGGCCCGT-3'

ClinVar aggregate classification (germline): Pathogenic (1 of 4 stars; one submission).

Submission:

Labcorp Genetics (formerly Invitae), Labcorp
Classification: Pathogenic. Last evaluated: 2024-02-19. Review status: criteria provided, single submitter. Criteria: Invitae Variant Classification Sherloc (09022015). Collection method: clinical testing. Allele origin: germline.
Comment: This sequence change creates a premature translational stop signal (p.Glu1108*) in the CDH23 gene. It is expected to result in an absent or disrupted protein product. Loss-of-function variants in CDH23 are known to be pathogenic (PMID: 11138009, 21940737). This variant is not present in population databases (gnomAD no frequency). This variant has not been reported in the literature in individuals affected with CDH23-related conditions. For these reasons, this variant has been classified as Pathogenic.

Literature cited by the submitters: PubMed 11138009; PubMed 21940737.